The following is an entry in ClinVar:

NM_002291.3(LAMB1):c.1236C>A (p.Asp412Glu)

Gene: LAMB1 (laminin subunit beta 1; minus strand). Cytogenetic location: 7q31.1.
Variant type: single nucleotide variant.
Coding change: c.1236C>A on transcript NM_002291.3 (MANE Select); coding-DNA position 1236, C replaced by A.
Protein change: p.Asp412Glu; replaces aspartic acid 412 with glutamic acid.
Molecular consequence: missense variant.
Genome position (GRCh38, 1-based): chr7:107,975,367, G>T on the plus strand (C>A on the coding strand, the complement: LAMB1 is on the minus strand). VCF-style: chr7-107975367-G-T. GRCh37 (hg19) VCF-style: chr7-107615812-G-T.
Other names: short protein forms D412E.
Identifiers: ClinVar variation 3290001 (VCV003290001.2).

ClinVar aggregate classification (germline): Uncertain significance. Review status: criteria provided, multiple submitters, no conflicts (2 of 4 stars). 2 submissions from 2 submitters: Uncertain significance (2). Last evaluated 2025-11-04.

Conditions:
Inborn genetic diseases. Identifiers: MedGen C0950123, MeSH D030342.

gnomAD v4.1: 1 of 1,613,604 alleles (0.000062%); highest among the groups gnomAD compares: African/African-American, 0.0013%; no homozygotes.

Submissions (2):

Labcorp Genetics (formerly Invitae), Labcorp
Classification: Uncertain significance. Last evaluated: 2025-11-04. Review status: criteria provided, single submitter. Criteria: Invitae Variant Classification Sherloc (09022015). Collection method: clinical testing. Allele origin: germline.
Comment: This sequence change replaces aspartic acid, which is acidic and polar, with glutamic acid, which is acidic and polar, at codon 412 of the LAMB1 protein (p.Asp412Glu). This variant is not present in population databases (gnomAD no frequency). This variant has not been reported in the literature in individuals affected with LAMB1-related conditions. ClinVar contains an entry for this variant (Variation ID: 3290001). An algorithm developed to predict the effect of missense changes on protein structure and function (PolyPhen-2) suggests that this variant is likely to be disruptive. In summary, the available evidence is currently insufficient to determine the role of this variant in disease. Therefore, it has been classified as a Variant of Uncertain Significance.

Ambry Genetics
Classification: Uncertain significance for Inborn genetic diseases. Last evaluated: 2024-05-20. Review status: criteria provided, single submitter. Criteria: Ambry Variant Classification Scheme 2023. Collection method: clinical testing. Allele origin: germline.